The following is an entry in ClinVar:

ClinVar aggregate classification (germline): Benign/Likely benign. Review status: criteria provided, multiple submitters, no conflicts (2 of 4 stars). 6 submissions from 6 submitters: Benign (1); Likely benign (5). Last evaluated 2026-01-28.

Conditions:
Kidney disorder. Also called: renal disorder; Nephropathy; Kidney disease; Kidney Diseases; renal disease. Identifiers: MedGen C0022658, MONDO:0005240, HP:0000112.
Focal segmental glomerulosclerosis 6 (FSGS6). Identifiers: Orphanet 656, MedGen C3279905, MONDO:0013589, OMIM 614131.

Allele frequency attached by ClinVar (database versions not stated): gnomAD exomes 0.00216; ExAC 0.00254; gnomAD 0.00890 and 0.00956; 1000 Genomes Project 0.00938; 1000 Genomes Project 30x 0.00968; TOPMed 0.01003; ESP Exome Variant Server 0.01065.
gnomAD v4.1: 2,701 of 1,614,174 alleles (0.17%); highest among the groups gnomAD compares: African/African-American, 3.3%; 40 homozygotes.

Submissions (6):

Labcorp Genetics (formerly Invitae), Labcorp
Classification: Benign. Last evaluated: 2026-01-28. Review status: criteria provided, single submitter. Criteria: Invitae Variant Classification Sherloc (09022015). Collection method: clinical testing. Allele origin: germline.

Mayo Clinic Laboratories, Mayo Clinic
Classification: Likely benign. Last evaluated: 2025-04-26. Review status: criteria provided, single submitter. Criteria: ACMG Guidelines, 2015. Collection method: clinical testing. Allele origin: germline. Observed: 4 variant alleles.
Comment: BS1, BP4, BP7

Blueprint Genetics
Classification: Likely benign. Last evaluated: 2024-10-22. Review status: criteria provided, single submitter. Criteria: ACMG Guidelines, 2015. Collection method: clinical testing. Allele origin: germline.

Fulgent Genetics
Classification: Likely benign for Focal segmental glomerulosclerosis 6. Last evaluated: 2021-08-13. Review status: criteria provided, single submitter. Criteria: ACMG Guidelines, 2015. Collection method: clinical testing. Allele origin: unknown.

GeneDx
Classification: Likely benign. Last evaluated: 2020-04-03. Review status: criteria provided, single submitter. Criteria: GeneDx Variant Classification Process June 2021. Collection method: clinical testing. Allele origin: germline. Affected: yes.

Genome Diagnostics Laboratory, The Hospital for Sick Children
Classification: Likely benign for Kidney disorder. Last evaluated: 2016-12-12. Review status: criteria provided, single submitter. Criteria: ACMG Guidelines, 2015. Collection method: clinical testing. Allele origin: germline.

NM_004998.4(MYO1E):c.643-4C>T

Gene: MYO1E (myosin IE; minus strand). Cytogenetic location: 15q22.2.
Variant type: single nucleotide variant.
Coding change: c.643-4C>T on transcript NM_004998.4 (MANE Select); 4 bases into the intron before coding-DNA position 643, C replaced by T.
Molecular consequence: intron variant.
Genome position (GRCh38, 1-based): chr15:59,224,827, G>A on the plus strand (C>T on the coding strand, the complement: MYO1E is on the minus strand). VCF-style: chr15-59224827-G-A. GRCh37 (hg19) VCF-style: chr15-59517026-G-A.
Other names: p.?.
Identifiers: ClinVar variation 720699 (VCV000720699.19), dbSNP rs73422973, ClinGen allele CA7590257.